The following is an entry in ClinVar:

ClinVar aggregate classification (germline): Conflicting classifications of pathogenicity. Review status: criteria provided, conflicting classifications (1 of 4 stars). 3 submissions from 3 submitters: Uncertain significance (2); Likely benign (1). Last evaluated 2023-11-13.

Conditions:
Cardiovascular phenotype. Identifiers: MedGen CN230736.
Long QT syndrome (LQTS). Identifiers: MedGen C0023976, MeSH D008133, MONDO:0002442. Disease mechanism: loss of function. Inheritance: Various modes of inheritance.

Allele frequency attached by ClinVar (database versions not stated): gnomAD exomes 0.00009 and 0.00003; gnomAD 0.00001 and 0.00003; TOPMed 0.00001; ExAC 0.00007.

Submissions (3):

Ambry Genetics
Classification: Likely benign for Cardiovascular phenotype. Last evaluated: 2023-11-13. Review status: criteria provided, single submitter. Criteria: Ambry Variant Classification Scheme 2023. Collection method: clinical testing. Allele origin: germline.

Labcorp Genetics (formerly Invitae), Labcorp
Classification: Uncertain significance for Long QT syndrome. Last evaluated: 2021-08-03. Review status: criteria provided, single submitter. Criteria: Invitae Variant Classification Sherloc (09022015). Collection method: clinical testing. Allele origin: germline.
Comment: This sequence change replaces methionine with threonine at codon 1879 of the AKAP9 protein (p.Met1879Thr). The methionine residue is moderately conserved and there is a moderate physicochemical difference between methionine and threonine. This variant is present in population databases (rs776979647, ExAC 0.09%). This variant has not been reported in the literature in individuals affected with AKAP9-related conditions. ClinVar contains an entry for this variant (Variation ID: 191390). Algorithms developed to predict the effect of missense changes on protein structure and function are either unavailable or do not agree on the potential impact of this missense change (SIFT: "Deleterious"; PolyPhen-2: "Benign"; Align-GVGD: "Class C0"). In summary, the available evidence is currently insufficient to determine the role of this variant in disease. Therefore, it has been classified as a Variant of Uncertain Significance.

Biesecker Lab/Clinical Genomics Section, National Institutes of Health
Classification: Uncertain significance. Last evaluated: 2013-06-24. Review status: criteria provided, single submitter. Criteria: Ng et al. (Circ Cardiovasc Genet. 2013). Collection method: research. Allele origin: unknown. Observed: 1 variant allele. Study: ClinSeq.
Comment: The study set was not selected for affection status in relation to any cancer. Pathogenicity categories were based on literature curation. See Pubmed ID:23861362 for details.

Medical sequencing

Literature cited by the submitters: PubMed 23861362 (cited by Ambry Genetics).

NM_005751.5(AKAP9):c.5636T>C (p.Met1879Thr)

Gene: AKAP9 (A-kinase anchoring protein 9; plus strand). Cytogenetic location: 7q21.2.
Variant type: single nucleotide variant.
Coding change: c.5636T>C on transcript NM_005751.5 (MANE Select); coding-DNA position 5636, T replaced by C.
Protein change: p.Met1879Thr; replaces methionine 1879 with threonine.
Molecular consequence: missense variant.
Genome position (GRCh38, 1-based): chr7:92,061,294, T>C. VCF-style: chr7-92061294-T-C. GRCh37 (hg19) VCF-style: chr7-91690608-T-C.
Other names: c.281T>C, p.Met94Thr (NM_001379277.1); c.5636T>C, p.Met1879Thr (NM_147185.3); short protein forms M1879T, M94T.
Identifiers: ClinVar variation 191390 (VCV000191390.5), dbSNP rs776979647, ClinGen allele CA236494.